The following is an entry in ClinVar:

ClinVar aggregate classification (germline): Likely benign (1 of 4 stars; one submission).

Submission:

CeGaT Center for Human Genetics Tuebingen
Classification: Likely benign. Last evaluated: 2025-07-01. Review status: criteria provided, single submitter. Criteria: CeGaT Center For Human Genetics Tuebingen Variant Classification Criteria Version 2. Collection method: clinical testing. Allele origin: germline. Affected: yes. Observed: 1 variant allele.
Comment: KRTAP5-4: BP4, BP7

NM_001347674.1(KRTAP5-4):c.45G>A (p.Gly15=)

Gene: KRTAP5-4 (keratin associated protein 5-4; minus strand). Cytogenetic location: 11p15.5.
Variant type: single nucleotide variant.
Coding change: c.45G>A on transcript NM_001347674.1 (MANE Select); coding-DNA position 45, G replaced by A.
Protein change: p.Gly15=; no amino-acid change (glycine 15 retained).
Molecular consequence: synonymous variant.
Genome position (GRCh38, 1-based): chr11:1,622,049, C>T on the plus strand (G>A on the coding strand, the complement: KRTAP5-4 is on the minus strand). VCF-style: chr11-1622049-C-T. GRCh37 (hg19) VCF-style: chr11-1643279-C-T.
Identifiers: ClinVar variation 4084198 (VCV004084198.8).